The following is an entry in ClinVar:

ClinVar aggregate classification (germline): Uncertain significance (1 of 4 stars; one submission).

Conditions:
Dilated cardiomyopathy 1JJ (CMD1JJ). Identifiers: Orphanet 154, MedGen C3808935, MONDO:0014095, OMIM 615235.

Submission:

Labcorp Genetics (formerly Invitae), Labcorp
Classification: Uncertain significance for Dilated cardiomyopathy 1JJ. Last evaluated: 2019-03-28. Review status: criteria provided, single submitter. Criteria: Invitae Variant Classification Sherloc (09022015). Collection method: clinical testing. Allele origin: germline.
Comment: In summary, the available evidence is currently insufficient to determine the role of this variant in disease. Therefore, it has been classified as a Variant of Uncertain Significance. The current clinical and genetic evidence is not sufficient to establish whether loss-of-function variants in LAMA4 cause disease. This variant has not been reported in the literature in individuals with LAMA4-related disease. This variant is an out-of-frame deletion of the genomic region encompassing exons 15-19 of the LAMA4 gene. This is expected to create a premature translational stop signal and result in an absent or disrupted protein product.

NC_000006.11:g.(?_112465986)_(112476918_?)del

Gene: LAMA4 (laminin subunit alpha 4; minus strand). Cytogenetic location: 6q21.
Variant type: Deletion.
Identifiers: ClinVar variation 832316 (VCV000832316.8).